The following is an entry in ClinVar:

ClinVar aggregate classification (germline): Pathogenic (1 of 4 stars; one submission).

Submission:

Labcorp Genetics (formerly Invitae), Labcorp
Classification: Pathogenic. Last evaluated: 2023-11-18. Review status: criteria provided, single submitter. Criteria: Invitae Variant Classification Sherloc (09022015). Collection method: clinical testing. Allele origin: germline.
Comment: This sequence change creates a premature translational stop signal (p.Ser3172Hisfs*42) in the PCNT gene. It is expected to result in an absent or disrupted protein product. Loss-of-function variants in PCNT are known to be pathogenic (PMID: 18174396, 22821869). This variant is present in population databases (rs773316940, gnomAD no frequency). This variant has not been reported in the literature in individuals affected with PCNT-related conditions. For these reasons, this variant has been classified as Pathogenic.

Literature cited by the submitters: PubMed 18174396; PubMed 22821869.

NM_006031.6(PCNT):c.9510_9511del (p.Ser3172fs)

Gene: PCNT (pericentrin; plus strand). Cytogenetic location: 21q22.3.
Variant type: Microsatellite.
Coding change: c.9510_9511del on transcript NM_006031.6 (MANE Select); coding-DNA positions 9510 to 9511, 2 bases deleted (AC; older notation c.9510_9511delAC).
Protein change: p.Ser3172fs; shifts the reading frame from serine 3172.
Molecular consequence: frameshift variant.
Genome position (GRCh38, 1-based): chr21:46,440,971-46,440,972, AC deleted; deleting any 2 consecutive bases within chr21:46,440,969-46,440,972 gives the same sequence; the c. name uses the placement nearest the transcript's 3' end. VCF-style (leftmost placement, unchanged base first): chr21-46440968-AAC-A. GRCh37 (hg19) VCF-style: chr21-47860881-AAC-A.
Other names: c.8919_8920del, p.Ser2975fs (NM_001315529.2); short protein forms S3172fs, S2975fs.
Identifiers: ClinVar variation 2801131 (VCV002801131.3), dbSNP rs773316940, ClinGen allele CA10081338.